The following is an entry in ClinVar:

NM_206933.4(USH2A):c.6398G>A (p.Trp2133Ter)

Gene: USH2A (usherin; minus strand). Cytogenetic location: 1q41.
Variant type: single nucleotide variant.
Coding change: c.6398G>A on transcript NM_206933.4 (MANE Select); coding-DNA position 6398, G replaced by A.
Protein change: p.Trp2133Ter; replaces tryptophan 2133 with a stop codon.
Molecular consequence: nonsense.
Genome position (GRCh38, 1-based): chr1:216,000,490, C>T on the plus strand (G>A on the coding strand, the complement: USH2A is on the minus strand). VCF-style: chr1-216000490-C-T. GRCh37 (hg19) VCF-style: chr1-216173832-C-T.
Other names: short protein forms W2133*.
Identifiers: ClinVar variation 166484 (VCV000166484.11), dbSNP rs727503725, ClinGen allele CA273288.

ClinVar aggregate classification (germline): Pathogenic/Likely pathogenic. Review status: criteria provided, multiple submitters, no conflicts (2 of 4 stars). 6 submissions from 5 submitters: Pathogenic (3); Likely pathogenic (3). Last evaluated 2025-03-24.

Conditions:
Rare genetic deafness. Identifiers: Orphanet 96210, MedGen C5680250.
Retinitis pigmentosa 39 (RP39). Identifiers: Orphanet 791, MedGen C3151138, MONDO:0013436, OMIM 613809.
Usher syndrome type 2A. Also called: RETINAL DISEASE IN USHER SYNDROME TYPE IIA, MODIFIER OF; USHER SYNDROME, TYPE IIA. Identifiers: Orphanet 231178, Orphanet 886, MedGen C1848634, MONDO:0010169, OMIM 276901.

Allele frequency attached by ClinVar (database versions not stated): gnomAD exomes below 0.00001.

Submissions (6):

Natera, Inc.
Classification: Pathogenic for Usher syndrome type 2A. Last evaluated: 2025-03-24. Review status: criteria provided, single submitter. Criteria: Natera Variant Classification Schema (03/2026). Collection method: clinical testing. Allele origin: germline.
Comment: The c.6398G>A variant in USH2A is a nonsense variant predicted to introduce a stop codon at amino acid 2133. This variant is expected to result in nonsense mediated decay, truncation, or a dysfunctional protein product. This variant is rare in the general population with a frequency below the threshold expected for the associated phenotype(s). This variant has been observed in one or more individuals affected with the associated recessive disease, as either homozygous or compound heterozygous with a second variant (PMID: 25425308). Given the available evidence, this variant is classified as Pathogenic.

Genome-Nilou Lab
Classification: Likely pathogenic for Retinitis pigmentosa 39. Last evaluated: 2023-11-04. Review status: criteria provided, single submitter. Criteria: ACMG Guidelines, 2015. Collection method: clinical testing. Allele origin: germline. Affected: no.

Genome-Nilou Lab
Classification: Likely pathogenic for Usher syndrome type 2A. Last evaluated: 2023-11-04. Review status: criteria provided, single submitter. Criteria: ACMG Guidelines, 2015. Collection method: clinical testing. Allele origin: germline. Affected: no.

Labcorp Genetics (formerly Invitae), Labcorp
Classification: Pathogenic. Last evaluated: 2023-01-29. Review status: criteria provided, single submitter. Criteria: Invitae Variant Classification Sherloc (09022015). Collection method: clinical testing. Allele origin: germline.
Comment: ClinVar contains an entry for this variant (Variation ID: 166484). For these reasons, this variant has been classified as Pathogenic. This premature translational stop signal has been observed in individual(s) with USH2A-related conditions (PMID: 25425308, 33105608). This variant is present in population databases (rs727503725, gnomAD 0.006%). This sequence change creates a premature translational stop signal (p.Trp2133*) in the USH2A gene. It is expected to result in an absent or disrupted protein product. Loss-of-function variants in USH2A are known to be pathogenic (PMID: 10729113, 10909849, 20507924, 25649381).

Ocular Genomics Institute, Massachusetts Eye and Ear
Classification: Likely pathogenic for Retinitis pigmentosa 39. Last evaluated: 2021-04-08. Review status: criteria provided, single submitter. Criteria: ACMG Guidelines, 2015. Collection method: research. Allele origin: germline. Affected: yes.
Comment: Through a review of available evidence we were able to apply the following criteria: PVS1, PM2. Based on this evidence we have classified this variant as Likely Pathogenic.

Laboratory for Molecular Medicine, Mass General Brigham Personalized Medicine
Classification: Pathogenic for Rare genetic deafness. Last evaluated: 2010-04-08. Review status: criteria provided, single submitter. Criteria: LMM Criteria. Collection method: clinical testing. Allele origin: germline. Observed: 1 variant allele.
Comment: proposed classification - variant undergoing re-assessment, contact laboratory

Literature cited by the submitters: PubMed 25425308 (cited by Natera, Inc. and Labcorp Genetics (formerly Invitae), Labcorp); PubMed 33105608 (cited by Labcorp Genetics (formerly Invitae), Labcorp); PubMed 10729113 (cited by Labcorp Genetics (formerly Invitae), Labcorp); PubMed 10909849 (cited by Labcorp Genetics (formerly Invitae), Labcorp); PubMed 20507924 (cited by Labcorp Genetics (formerly Invitae), Labcorp); PubMed 25649381 (cited by Labcorp Genetics (formerly Invitae), Labcorp).